The following is an entry in ClinVar:

ClinVar aggregate classification (germline): Likely pathogenic (1 of 4 stars; one submission).

Conditions:
Oligodontia-cancer predisposition syndrome. Also called: TOOTH AGENESIS-COLORECTAL CANCER SYNDROME. Identifiers: Orphanet 300576, MedGen C1837750, MONDO:0012075, OMIM 608615. Disease mechanism: loss of function.

Submission:

Labcorp Genetics (formerly Invitae), Labcorp
Classification: Likely pathogenic for Oligodontia-cancer predisposition syndrome. Last evaluated: 2021-11-01. Review status: criteria provided, single submitter. Criteria: Invitae Variant Classification Sherloc (09022015). Collection method: clinical testing. Allele origin: germline.
Comment: In summary, the currently available evidence indicates that the variant is pathogenic, but additional data are needed to prove that conclusively. Therefore, this variant has been classified as Likely Pathogenic. Algorithms developed to predict the effect of sequence changes on RNA splicing suggest that this variant may disrupt the consensus splice site. This variant has not been reported in the literature in individuals affected with AXIN2-related conditions. This variant is not present in population databases (gnomAD no frequency). This sequence change affects a donor splice site in intron 9 of the AXIN2 gene. It is expected to disrupt RNA splicing. Variants that disrupt the donor or acceptor splice site typically lead to a loss of protein function (PMID: 16199547), and loss-of-function variants in AXIN2 are known to be pathogenic (PMID: 15042511, 21416598).

Literature cited by the submitters: PubMed 16199547; PubMed 15042511; PubMed 21416598.

NM_004655.4(AXIN2):c.2237+1G>T

Gene: AXIN2 (axin 2; minus strand). Cytogenetic location: 17q24.1.
Variant type: single nucleotide variant.
Coding change: c.2237+1G>T on transcript NM_004655.4 (MANE Select); the canonical splice donor site of the intron after coding-DNA position 2237, G replaced by T.
Molecular consequence: splice donor variant.
Genome position (GRCh38, 1-based): chr17:65,535,625, C>A on the plus strand (G>T on the coding strand, the complement: AXIN2 is on the minus strand). VCF-style: chr17-65535625-C-A. GRCh37 (hg19) VCF-style: chr17-63531743-C-A.
Other names: c.2042+1G>T (NM_001363813.1).
Identifiers: ClinVar variation 1479941 (VCV001479941.6), dbSNP rs2144432097, ClinGen allele CA400675691.